The following is an entry in ClinVar:

NM_000553.6(WRN):c.1269+2T>C

Gene: WRN (WRN RecQ like helicase; plus strand). Cytogenetic location: 8p12.
Variant type: single nucleotide variant.
Coding change: c.1269+2T>C on transcript NM_000553.6 (MANE Select); the canonical splice donor site of the intron after coding-DNA position 1269, T replaced by C.
Molecular consequence: splice donor variant.
Genome position (GRCh38, 1-based): chr8:31,081,298, T>C. VCF-style: chr8-31081298-T-C. GRCh37 (hg19) VCF-style: chr8-30938814-T-C.
Identifiers: ClinVar variation 4715148 (VCV004715148.1).
Genomic context (GRCh38, chr8:31,081,298, plus strand): 5'-TTTTGGAACAGCAGTCTCAGGAAGAATATCTTAGTGATATTGCTTATAAATCTACTGAGG[T>C]ACTAAATAAAGAGGAAGCACATTTTTAGTTATTAGTAGGTTCTGGCAGACTTTATTCCCG-3'

ClinVar aggregate classification (germline): Likely pathogenic (1 of 4 stars; one submission).

Conditions:
Werner syndrome (WRN). Identifiers: Orphanet 902, MedGen C0043119, MONDO:0010196, OMIM 277700.

Submission:

Labcorp Genetics (formerly Invitae), Labcorp
Classification: Likely pathogenic for Werner syndrome. Last evaluated: 2025-03-16. Review status: criteria provided, single submitter. Criteria: Invitae Variant Classification Sherloc (09022015). Collection method: clinical testing. Allele origin: germline.
Comment: This sequence change affects a donor splice site in intron 9 of the WRN gene. It is expected to disrupt RNA splicing. Variants that disrupt the donor or acceptor splice site typically lead to a loss of protein function (PMID: 16199547), and loss-of-function variants in WRN are known to be pathogenic (PMID: 16673358). This variant is not present in population databases (gnomAD no frequency). This variant has not been reported in the literature in individuals affected with WRN-related conditions. Studies have shown that disruption of this splice site is associated with inconclusive levels of altered splicing (internal data). In summary, the currently available evidence indicates that the variant is pathogenic, but additional data are needed to prove that conclusively. Therefore, this variant has been classified as Likely Pathogenic.

Literature cited by the submitters: PubMed 16199547; PubMed 16673358.